The following is an entry in ClinVar:

ClinVar aggregate classification (germline): Uncertain significance (1 of 4 stars; one submission).

Conditions:
Coffin-Siris syndrome 1 (CSS1). Also called: ARID1B-Related Coffin-Siris Syndrome; Mental retardation, autosomal dominant 12. Identifiers: Orphanet 1465, MedGen C3281201, MONDO:0007617, OMIM 135900. Disease mechanism: gain of function.

Submission:

Juno Genomics, Hangzhou Juno Genomics, Inc
Classification: Uncertain significance for Coffin-Siris syndrome 1. Review status: criteria provided, single submitter. Criteria: ACMG Guidelines, 2015. Collection method: clinical testing. Allele origin: germline.

NM_001374828.1(ARID1B):c.4231G>C (p.Val1411Leu)

Gene: ARID1B (AT-rich interaction domain 1B; plus strand). Cytogenetic location: 6q25.3.
Variant type: single nucleotide variant.
Coding change: c.4231G>C on transcript NM_001374828.1 (MANE Select); coding-DNA position 4231, G replaced by C.
Protein change: p.Val1411Leu; replaces valine 1411 with leucine.
Molecular consequence: missense variant.
Genome position (GRCh38, 1-based): chr6:157,190,210, G>C. VCF-style: chr6-157190210-G-C. GRCh37 (hg19) VCF-style: chr6-157511344-G-C.
Other names: c.1732G>C, p.Val578Leu (NM_001363725.2); c.4111G>C, p.Val1371Leu (NM_001371656.1, NM_001374820.1); c.4360G>C, p.Val1454Leu (NM_001438482.1); c.4273G>C, p.Val1425Leu (NM_001438483.1); c.4141G>C, p.Val1381Leu (NM_001438485.1); c.4114G>C, p.Val1372Leu (NM_001438486.1); c.4051G>C, p.Val1351Leu (NM_001438487.1); c.1573G>C, p.Val525Leu (NM_001438488.1); and 1 more; short protein forms V1351L, V1358L, V1371L, V1381L, V1454L, V1372L, V1425L, V525L.
Identifiers: ClinVar variation 5006989 (VCV005006989.2).